The following is an entry in ClinVar:

ClinVar aggregate classification (germline): Likely benign (1 of 4 stars; one submission).

Allele frequency attached by ClinVar (database versions not stated): ESP Exome Variant Server 0.00008; gnomAD 0.00041; 1000 Genomes Project 30x 0.00047; 1000 Genomes Project 0.00060; ExAC 0.00138.

Submission:

CeGaT Center for Human Genetics Tuebingen
Classification: Likely benign. Last evaluated: 2023-03-01. Review status: criteria provided, single submitter. Criteria: CeGaT Center For Human Genetics Tuebingen Variant Classification Criteria Version 2. Collection method: clinical testing. Allele origin: germline. Affected: yes. Observed: 1 variant allele.
Comment: ZNF229: BS2

NM_014518.4(ZNF229):c.2T>C (p.Met1Thr)

Gene: ZNF229 (zinc finger protein 229; minus strand). Cytogenetic location: 19q13.31.
Variant type: single nucleotide variant.
Coding change: c.2T>C on transcript NM_014518.4 (MANE Select); coding-DNA position 2, T replaced by C.
Protein change: p.Met1Thr; changes the start codon (methionine 1).
Molecular consequence: missense variant, initiator codon variant. On other transcripts: non-coding transcript variant (1).
Genome position (GRCh38, 1-based): chr19:44,442,846, A>G on the plus strand (T>C on the coding strand, the complement: ZNF229 is on the minus strand). VCF-style: chr19-44442846-A-G. GRCh37 (hg19) VCF-style: chr19-44947030-A-G.
Other names: c.2T>C, p.Met1Thr (NM_001278510.3); short protein forms M1T.
Identifiers: ClinVar variation 2650082 (VCV002650082.24), dbSNP rs199644935, ClinGen allele CA9500945.